The following is an entry in ClinVar:

ClinVar aggregate classification (germline): Pathogenic. Review status: criteria provided, multiple submitters, no conflicts (2 of 4 stars). 3 submissions from 3 submitters: Pathogenic (3). Last evaluated 2025-04-18.

Conditions:
Glycogen storage disease, type V (GSD5). Also called: MCARDLE DISEASE; MUSCLE GLYCOGEN PHOSPHORYLASE DEFICIENCY; MYOPHOSPHORYLASE DEFICIENCY; PYGM DEFICIENCY; McArdle type glycogen storage disease. Identifiers: Orphanet 368, MedGen C0017924, MONDO:0009293, OMIM 232600.

Submissions (3):

Natera, Inc.
Classification: Pathogenic for Glycogen storage disease V. Last evaluated: 2025-04-18. Review status: criteria provided, single submitter. Criteria: Natera Variant Classification Schema (03/2026). Collection method: clinical testing. Allele origin: germline.
Comment: The c.2075_2076delCCinsAAA variant in PYGM is a frameshift variant predicted to shift the reading frame beginning at codon 692 and leads to a stop codon 30 codons downstream. This variant is expected to result in nonsense mediated decay, truncation, or a dysfunctional protein product. This variant is rare in the general population with a frequency below the threshold expected for the associated phenotype(s). This variant has been observed in one or more individuals affected with the associated recessive disease, as either homozygous or compound heterozygous with a second variant (PMID: 23653251). Given the available evidence, this variant is classified as Pathogenic.

Fulgent Genetics
Classification: Pathogenic for Glycogen storage disease, type V. Last evaluated: 2024-05-28. Review status: criteria provided, single submitter. Criteria: ACMG Guidelines, 2015. Collection method: clinical testing. Allele origin: germline.

Myriad Genetics, Inc.
Classification: Pathogenic for Glycogen storage disease, type V. Last evaluated: 2024-05-14. Review status: criteria provided, single submitter. Criteria: Myriad Autosomal Dominant, Autosomal Recessive and X-Linked Classification Criteria (2023). Collection method: clinical testing. Allele origin: unknown.
Comment: NM_005609.2(PYGM):c.2075_2076delCCinsAAA(T692Kfs*30) is expected to be pathogenic in the context of glycogen storage disease, PYGM-related. This variant is predicted to lead to an abnormal or absent protein product due to the creation of a premature termination codon in PYGM, a gene where loss-of-function variants are known to be pathogenic. Please note: this variant was assessed in the context of healthy population screening.

Literature cited by the submitters: PubMed 23653251 (cited by Natera, Inc.).

NM_005609.4(PYGM):c.2075_2076delinsAAA (p.Thr692fs)

Gene: PYGM (glycogen phosphorylase, muscle associated; minus strand). Cytogenetic location: 11q13.1.
Variant type: Indel.
Coding change: c.2075_2076delinsAAA on transcript NM_005609.4 (MANE Select); coding-DNA positions 2075 to 2076, CC replaced by AAA.
Protein change: p.Thr692fs; shifts the reading frame from threonine 692.
Molecular consequence: frameshift variant.
Genome position (GRCh38, 1-based): chr11:64,750,477-64,750,478, GG replaced by TTT on the plus strand (CC replaced by AAA on the coding strand, the reverse complement: PYGM is on the minus strand). VCF-style: chr11-64750477-GG-TTT. GRCh37 (hg19) VCF-style: chr11-64517949-GG-TTT.
Other names: c.1811_1812delinsAAA, p.Thr604fs (NM_001164716.1); c.2075_2076delCCinsAAA (NM_005609.3); short protein forms T692fs, T604fs.
Identifiers: ClinVar variation 3600026 (VCV003600026.3).